The following is an entry in ClinVar:

NM_033337.3(CAV3):c.400G>A (p.Ala134Thr)

Genes: OXTR (oxytocin receptor; minus strand), CAV3 (caveolin 3; plus strand). Cytogenetic location: 3p25.3.
Variant type: single nucleotide variant.
Coding change: c.400G>A on transcript NM_033337.3 (MANE Select); coding-DNA position 400, G replaced by A.
Protein change: p.Ala134Thr; replaces alanine 134 with threonine.
Molecular consequence: missense variant.
Genome position (GRCh38, 1-based): chr3:8,745,811, G>A. VCF-style: chr3-8745811-G-A. GRCh37 (hg19) VCF-style: chr3-8787497-G-A.
Other names: c.400G>A (NM_033337.2); c.400G>A, p.Ala134Thr (NM_001234.5); short protein forms A134T.
Identifiers: ClinVar variation 288112 (VCV000288112.16), dbSNP rs773309037, ClinGen allele CA2236361.

ClinVar aggregate classification (germline): Uncertain significance. Review status: criteria provided, multiple submitters, no conflicts (2 of 4 stars). 5 submissions from 5 submitters: Uncertain significance (5). Last evaluated 2025-12-03.

Conditions:
Long QT syndrome (LQTS). Identifiers: MedGen C0023976, MeSH D008133, MONDO:0002442. Disease mechanism: loss of function. Inheritance: Various modes of inheritance.
Hypertrophic cardiomyopathy 1 (CMH1). Also called: Familial hypertrophic cardiomyopathy 1; MYH7-Related Familial Hypertrophic Cardiomyopathy. Identifiers: MedGen C3495498, MONDO:0008647, OMIM 192600.
Rippling muscle disease 2 (RMD2). Also called: Limb-girdle muscular dystrophy, type 1C; CAV3-Related Rippling Muscle Disease. Identifiers: Orphanet 265, MedGen C1832560, MONDO:0019947, OMIM 606072.
Long QT syndrome 9 (LQT9). Identifiers: Orphanet 101016, Orphanet 768, MedGen C2678485, MONDO:0012736, OMIM 611818.
Distal myopathy, Tateyama type (MPDT). Also called: CAV3-Related Distal Myopathy. Identifiers: Orphanet 488650, MedGen C3280443, MONDO:0013686, OMIM 614321.
Elevated circulating creatine kinase activity. Also called: Elevated serum creatine phosphokinase; Elevated circulating creatine kinase concentration; Elevated creatine kinase. Identifiers: MedGen C0241005, HP:0003236.
Cardiovascular phenotype. Identifiers: MedGen CN230736.

Allele frequency attached by ClinVar (database versions not stated): TOPMed 0.00001.
gnomAD v4.1: 20 of 1,613,666 alleles (0.0012%); highest among the groups gnomAD compares: Admixed American, 0.0067%; no homozygotes.

Submissions (5):

Labcorp Genetics (formerly Invitae), Labcorp
Classification: Uncertain significance for Long QT syndrome. Last evaluated: 2025-12-03. Review status: criteria provided, single submitter. Criteria: Invitae Variant Classification Sherloc (09022015). Collection method: clinical testing. Allele origin: germline.
Comment: This sequence change replaces alanine, which is neutral and non-polar, with threonine, which is neutral and polar, at codon 134 of the CAV3 protein (p.Ala134Thr). This variant is present in population databases (rs773309037, gnomAD 0.01%). This variant has not been reported in the literature in individuals affected with CAV3-related conditions. ClinVar contains an entry for this variant (Variation ID: 288112). An algorithm developed to predict the effect of missense changes on protein structure and function (PolyPhen-2) suggests that this variant is likely to be tolerated. In summary, the available evidence is currently insufficient to determine the role of this variant in disease. Therefore, it has been classified as a Variant of Uncertain Significance.

GeneDx
Classification: Uncertain significance. Last evaluated: 2025-06-04. Review status: criteria provided, single submitter. Criteria: GeneDx Variant Classification Process June 2021. Collection method: clinical testing. Allele origin: germline. Affected: yes.
Comment: Not observed at significant frequency in large population cohorts (gnomAD); In silico analysis suggests that this missense variant does not alter protein structure/function; Has not been previously published as pathogenic or benign to our knowledge

Ambry Genetics
Classification: Uncertain significance for Cardiovascular phenotype. Last evaluated: 2023-10-25. Review status: criteria provided, single submitter. Criteria: Ambry Variant Classification Scheme 2023. Collection method: clinical testing. Allele origin: germline.
Comment: The p.A134T variant (also known as c.400G>A), located in coding exon 2 of the CAV3 gene, results from a G to A substitution at nucleotide position 400. The alanine at codon 134 is replaced by threonine, an amino acid with similar properties. This amino acid position is not well conserved in available vertebrate species. In addition, the in silico prediction for this alteration is inconclusive. Since supporting evidence is limited at this time, the clinical significance of this alteration remains unclear.

Fulgent Genetics
Classification: Uncertain significance for Creatine phosphokinase, elevated serum; Hypertrophic cardiomyopathy 1; Rippling muscle disease 2; Long QT syndrome 9; Distal myopathy, Tateyama type. Last evaluated: 2022-03-03. Review status: criteria provided, single submitter. Criteria: ACMG Guidelines, 2015. Collection method: clinical testing. Allele origin: unknown.

Eurofins Ntd Llc (ga)
Classification: Uncertain significance. Last evaluated: 2016-05-17. Review status: criteria provided, single submitter. Criteria: EGL Classification Definitions 2015. Collection method: clinical testing. Allele origin: germline. Observed: 1 variant allele, 1 heterozygote.